The following is an entry in ClinVar:

ClinVar aggregate classification (germline): Uncertain significance (1 of 4 stars; one submission).

Allele frequency attached by ClinVar (database versions not stated): ExAC 0.00001; gnomAD 0.00001; gnomAD exomes 0.00001; TOPMed 0.00002.
gnomAD v4.1: 12 of 1,610,264 alleles (0.00075%); highest among the groups gnomAD compares: Non-Finnish European, 0.001%; no homozygotes.

Submission:

Labcorp Genetics (formerly Invitae), Labcorp
Classification: Uncertain significance. Last evaluated: 2024-12-10. Review status: criteria provided, single submitter. Criteria: Invitae Variant Classification Sherloc (09022015). Collection method: clinical testing. Allele origin: germline.
Comment: This sequence change falls in intron 24 of the TTLL5 gene. It does not directly change the encoded amino acid sequence of the TTLL5 protein. This variant is present in population databases (rs752157376, gnomAD 0.002%). This variant has not been reported in the literature in individuals affected with TTLL5-related conditions. ClinVar contains an entry for this variant (Variation ID: 846932). Algorithms developed to predict the effect of sequence changes on RNA splicing suggest that this variant may disrupt the consensus splice site. In summary, the available evidence is currently insufficient to determine the role of this variant in disease. Therefore, it has been classified as a Variant of Uncertain Significance.

NM_015072.5(TTLL5):c.2516-6T>A

Gene: TTLL5 (tubulin tyrosine ligase like 5; plus strand). Cytogenetic location: 14q24.3.
Variant type: single nucleotide variant.
Coding change: c.2516-6T>A on transcript NM_015072.5 (MANE Select); 6 bases into the intron before coding-DNA position 2516, T replaced by A.
Molecular consequence: intron variant.
Genome position (GRCh38, 1-based): chr14:75,782,481, T>A. VCF-style: chr14-75782481-T-A. GRCh37 (hg19) VCF-style: chr14-76248824-T-A.
Identifiers: ClinVar variation 846932 (VCV000846932.7), dbSNP rs752157376, ClinGen allele CA7279741.